The following is an entry in ClinVar:

NM_170754.4(TNS2):c.3018CAC[1] (p.Thr1008del)

Gene: TNS2 (tensin 2; plus strand). Cytogenetic location: 12q13.13.
Variant type: Microsatellite.
Coding change: c.3018CAC[1] on transcript NM_170754.4 (MANE Select); one copy of the 3-base unit CAC starting at c.3018; the reference has two copies in a row; one copy, 3 bases deleted.
Protein change: p.Thr1008del; deletes threonine 1008.
Molecular consequence: inframe deletion. On other transcripts: frameshift variant (4).
Genome position (GRCh38, 1-based): chr12:53,060,927-53,060,929, CAC deleted; deleting any 3 consecutive bases within chr12:53,060,923-53,060,929 gives the same sequence; the position shown is the placement nearest the transcript's 3' end. VCF-style (leftmost placement, unchanged base first): chr12-53060922-CCCA-C. GRCh37 (hg19) VCF-style: chr12-53454706-CCCA-C.
Other names: c.2949_2951CAC[1], p.Thr985Serfs (NM_015319.3); c.2646CAC[1], p.Thr884del (NM_198316.2); c.3018_3020CAC[1], p.Thr1008Serfs (NM_001416202.1); c.2976_2978CAC[1], p.Thr994Serfs (NM_001416203.1); c.3045_3047CAC[1], p.Thr1017Serfs (NM_001416204.1); short protein forms T1018del, T884del, T1008del.
Identifiers: ClinVar variation 1974818 (VCV001974818.5), dbSNP rs775216790, ClinGen allele CA6592748.

ClinVar aggregate classification (germline): Uncertain significance (1 of 4 stars; one submission).

Submission:

Labcorp Genetics (formerly Invitae), Labcorp
Classification: Uncertain significance. Last evaluated: 2025-09-03. Review status: criteria provided, single submitter. Criteria: Invitae Variant Classification Sherloc (09022015). Collection method: clinical testing. Allele origin: germline.
Comment: This variant, c.3051_3053del, results in the deletion of 1 amino acid(s) of the TNS2 protein (p.Thr1018del), but otherwise preserves the integrity of the reading frame. This variant is present in population databases (rs775216790, gnomAD 0.007%). This variant has not been reported in the literature in individuals affected with TNS2-related conditions. Experimental studies and prediction algorithms are not available or were not evaluated, and the functional significance of this variant is currently unknown. In summary, the available evidence is currently insufficient to determine the role of this variant in disease. Therefore, it has been classified as a Variant of Uncertain Significance.